The following is an entry in ClinVar:

ClinVar aggregate classification (germline): Uncertain significance (1 of 4 stars; one submission).

Conditions:
Cohen syndrome (COH1). Also called: Cutis verticis gyrata, retinitis pigmentosa, and sensorineural deafness; PEPPER SYNDROME. Identifiers: Orphanet 193, MedGen C0265223, MONDO:0008999, OMIM 216550.

Submission:

Labcorp Genetics (formerly Invitae), Labcorp
Classification: Uncertain significance for Cohen syndrome. Last evaluated: 2024-06-13. Review status: criteria provided, single submitter. Criteria: Invitae Variant Classification Sherloc (09022015). Collection method: clinical testing. Allele origin: germline.
Comment: This sequence change replaces valine, which is neutral and non-polar, with methionine, which is neutral and non-polar, at codon 3935 of the VPS13B protein (p.Val3935Met). This variant is not present in population databases (gnomAD no frequency). This variant has not been reported in the literature in individuals affected with VPS13B-related conditions. Advanced modeling of protein sequence and biophysical properties (such as structural, functional, and spatial information, amino acid conservation, physicochemical variation, residue mobility, and thermodynamic stability) performed at Invitae indicates that this missense variant is expected to disrupt VPS13B protein function with a positive predictive value of 80%. In summary, the available evidence is currently insufficient to determine the role of this variant in disease. Therefore, it has been classified as a Variant of Uncertain Significance.

NM_152564.5(VPS13B):c.11728G>A (p.Val3910Met)

Gene: VPS13B (vacuolar protein sorting 13 homolog B; plus strand). Cytogenetic location: 8q22.2.
Variant type: single nucleotide variant.
Coding change: c.11728G>A on transcript NM_152564.5 (MANE Select); coding-DNA position 11728, G replaced by A.
Protein change: p.Val3910Met; replaces valine 3910 with methionine.
Molecular consequence: missense variant.
Genome position (GRCh38, 1-based): chr8:99,871,680, G>A. VCF-style: chr8-99871680-G-A. GRCh37 (hg19) VCF-style: chr8-100883908-G-A.
Other names: c.11803G>A, p.Val3935Met (NM_017890.5); short protein forms V3935M, V3910M.
Identifiers: ClinVar variation 3699975 (VCV003699975.2).
Genomic context (GRCh38, chr8:99,871,680, plus strand): 5'-GACTGTGCACAGGACAGCAAGCAGAACAACTTACTCACAGTGCAGCTCAAGCAGCCAAGA[G>A]TGGCCTGTGATGTGGAGGTACGTTTCAGAAAACAGGGCAACCAAGACTAGCTGGCCAGGG-3'
Protein context (NP_689777.3, residues 3900-3920): LLTVQLKQPR[Val3910Met]ACDVEVDGVR